The following is an entry in ClinVar:

ClinVar aggregate classification (germline): Pathogenic (1 of 4 stars; one submission).

Conditions:
Familial thoracic aortic aneurysm and aortic dissection (TAAD). Also called: Thoracic aortic aneurysms and dissections. Identifiers: Orphanet 91387, MedGen C4707243, MONDO:0019625.

Submission:

Labcorp Genetics (formerly Invitae), Labcorp
Classification: Pathogenic for Familial thoracic aortic aneurysm and aortic dissection. Last evaluated: 2021-06-21. Review status: criteria provided, single submitter. Criteria: Invitae Variant Classification Sherloc (09022015). Collection method: clinical testing. Allele origin: germline.
Comment: For these reasons, this variant has been classified as Pathogenic. The region of the SMAD3 gene that includes exon 6 has been determined to be clinically significant (Invitae). Therefore, deletions that encompass that region are likely to disrupt protein function and cause disease. This variant has not been reported in the literature in individuals with SMAD3-related conditions. This variant is a gross deletion of the genomic region encompassing exon(s) 4-9 of the SMAD3 gene. The 5' boundary is likely confined to intron 3. The 3' end of this event is unknown as it extends through the termination codon beyond the assayed region for this gene and may encompass additional genes. While this deletion is not anticipated to lead to nonsense mediated decay, it is expected to alter mRNA translation or result in a truncated protein product.

NC_000015.9:g.(?_67459097)_(67482874_?)del

Gene: SMAD3 (SMAD family member 3; plus strand). Cytogenetic location: 15q22.33.
Variant type: Deletion.
Identifiers: ClinVar variation 1456991 (VCV001456991.6).